The following is an entry in ClinVar:

ClinVar aggregate classification (germline): Benign (0 of 4 stars; one submission).

Conditions:
TARS1-related disorder. Also called: TARS1-related condition.

Allele frequency attached by ClinVar (database versions not stated): 1000 Genomes Project 0.13818; 1000 Genomes Project 30x 0.13882; ExAC 0.17186; TOPMed 0.17672; gnomAD 0.17919; ESP Exome Variant Server 0.19345; gnomAD exomes 0.20177.
gnomAD v4.1: 322,431 of 1,613,224 alleles (20%); highest among the groups gnomAD compares: Non-Finnish European, 22%; 33,956 homozygotes.

Submissions (12):

PreventionGenetics, part of Exact Sciences
Classification: Benign for TARS1-related condition. Last evaluated: 2019-10-30. Review status: no assertion criteria provided. Collection method: clinical testing. Allele origin: germline.
Comment: This variant is classified as benign based on ACMG/AMP sequence variant interpretation guidelines (Richards et al. 2015 PMID: 25741868, with internal and published modifications).

Dr. Peter K. Rogan Lab, Western University
No classification provided (evidence only). Condition: Malignant lymphoma, large B-cell, diffuse. Review status: no classification provided. Collection method: in vitro. Allele origin: not applicable. Functional consequence: retained intron. Not counted in ClinVar's aggregate classification.

Dr. Peter K. Rogan Lab, Western University
No classification provided (evidence only). Condition: Malignant lymphoma, large B-cell, diffuse. Review status: no classification provided. Collection method: in vitro. Allele origin: not applicable. Functional consequence: retained intron. Not counted in ClinVar's aggregate classification.

Dr. Peter K. Rogan Lab, Western University
No classification provided (evidence only). Condition: Malignant lymphoma, large B-cell, diffuse. Review status: no classification provided. Collection method: in vitro. Allele origin: not applicable. Functional consequence: retained intron. Not counted in ClinVar's aggregate classification.

Dr. Peter K. Rogan Lab, Western University
No classification provided (evidence only). Condition: Malignant lymphoma, large B-cell, diffuse. Review status: no classification provided. Collection method: in vitro. Allele origin: not applicable. Functional consequence: retained intron. Not counted in ClinVar's aggregate classification.

Dr. Peter K. Rogan Lab, Western University
No classification provided (evidence only). Condition: Malignant lymphoma, large B-cell, diffuse. Review status: no classification provided. Collection method: in vitro. Allele origin: not applicable. Functional consequence: retained intron. Not counted in ClinVar's aggregate classification.

Dr. Peter K. Rogan Lab, Western University
No classification provided (evidence only). Condition: Malignant lymphoma, large B-cell, diffuse. Review status: no classification provided. Collection method: in vitro. Allele origin: not applicable. Functional consequence: retained intron. Not counted in ClinVar's aggregate classification.

Dr. Peter K. Rogan Lab, Western University
No classification provided (evidence only). Condition: Uterine carcinosarcoma. Review status: no classification provided. Collection method: in vitro. Allele origin: not applicable. Functional consequence: retained intron. Not counted in ClinVar's aggregate classification.

Dr. Peter K. Rogan Lab, Western University
No classification provided (evidence only). Condition: Uterine carcinosarcoma. Review status: no classification provided. Collection method: in vitro. Allele origin: not applicable. Functional consequence: retained intron. Not counted in ClinVar's aggregate classification.

Dr. Peter K. Rogan Lab, Western University
No classification provided (evidence only). Condition: Uterine carcinosarcoma. Review status: no classification provided. Collection method: in vitro. Allele origin: not applicable. Functional consequence: retained intron. Not counted in ClinVar's aggregate classification.

Dr. Peter K. Rogan Lab, Western University
No classification provided (evidence only). Condition: Uterine carcinosarcoma. Review status: no classification provided. Collection method: in vitro. Allele origin: not applicable. Functional consequence: retained intron. Not counted in ClinVar's aggregate classification.

Dr. Peter K. Rogan Lab, Western University
No classification provided (evidence only). Condition: Uterine carcinosarcoma. Review status: no classification provided. Collection method: in vitro. Allele origin: not applicable. Functional consequence: retained intron. Not counted in ClinVar's aggregate classification.

NM_152295.5(TARS1):c.1506G>A (p.Pro502=)

Genes: TARS1 (threonyl-tRNA synthetase 1; plus strand), LOC126807348 (BRD4-independent group 4 enhancer GRCh37_chr5:33460526-33461725; plus strand). Cytogenetic location: 5p13.3.
Variant type: single nucleotide variant.
Coding change: c.1506G>A on transcript NM_152295.5 (MANE Select); coding-DNA position 1506, G replaced by A.
Protein change: p.Pro502=; no amino-acid change (proline 502 retained).
Molecular consequence: synonymous variant. On other transcripts: non-coding transcript variant (3).
Genome position (GRCh38, 1-based): chr5:33,461,250, G>A. VCF-style: chr5-33461250-G-A. GRCh37 (hg19) VCF-style: chr5-33461355-G-A.
Other names: NC_000005.9:g.33461355G>A; c.1506G>A, p.Pro502= (NM_001258437.1); c.1605G>A, p.Pro535= (NM_001258438.2); c.1470G>A, p.Pro490= (NM_003191.1).
Identifiers: ClinVar variation 3055451 (VCV003055451.3), dbSNP rs2270905, ClinGen allele CA3223379.